The following is an entry in ClinVar:

NM_000824.5(GLRB):c.527G>C (p.Arg176Thr)

Gene: GLRB (glycine receptor beta; plus strand). Cytogenetic location: 4q32.1.
Variant type: single nucleotide variant.
Coding change: c.527G>C on transcript NM_000824.5 (MANE Select); coding-DNA position 527, G replaced by C.
Protein change: p.Arg176Thr; replaces arginine 176 with threonine.
Molecular consequence: missense variant.
Genome position (GRCh38, 1-based): chr4:157,136,698, G>C. VCF-style: chr4-157136698-G-C. GRCh37 (hg19) VCF-style: chr4-158057850-G-C.
Other names: c.527G>C, p.Arg176Thr (NM_001166060.2, NM_001166061.2); short protein forms R176T.
Identifiers: ClinVar variation 1804695 (VCV001804695.1), dbSNP rs1053609128, ClinGen allele CA109163921.

ClinVar aggregate classification (germline): Uncertain significance (1 of 4 stars; one submission).

Allele frequency attached by ClinVar (database versions not stated): gnomAD exomes below 0.00001; TOPMed 0.00002.
gnomAD v4.1: 2 of 1,569,998 alleles (0.00013%); highest among the groups gnomAD compares: African/African-American, 0.0027%; no homozygotes.

Submission:

Women's Health and Genetics/Laboratory Corporation of America, LabCorp
Classification: Uncertain significance. Last evaluated: 2022-11-16. Review status: criteria provided, single submitter. Criteria: LabCorp Variant Classification Summary - May 2015. Collection method: clinical testing. Allele origin: germline.
Comment: Variant summary: GLRB c.527G>C (p.Arg176Thr) results in a non-conservative amino acid change located in the Neurotransmitter-gated ion-channel ligand-binding domain of the encoded protein sequence. Five of five in-silico tools predict a damaging effect of the variant on protein function. The variant impacts the last nucleotide of exon 5. One splice prediction tool predict the variant abolishes a 5' splicing donor site. However, these predictions have yet to be confirmed by functional studies. The variant was absent in 250572 control chromosomes. The available data on variant occurrences in the general population are insufficient to allow any conclusion about variant significance. To our knowledge, no occurrence of c.527G>C in individuals affected with Hyperekplexia 2 and no experimental evidence demonstrating its impact on protein function have been reported. No clinical diagnostic laboratories have submitted clinical-significance assessments for this variant to ClinVar after 2014. Based on the evidence outlined above, the variant was classified as uncertain significance.